The following is an entry in ClinVar:

NM_015896.4(ZMYND10):c.637C>T (p.His213Tyr)

Gene: ZMYND10 (zinc finger MYND-type containing 10; minus strand). Cytogenetic location: 3p21.31.
Variant type: single nucleotide variant.
Coding change: c.637C>T on transcript NM_015896.4 (MANE Select); coding-DNA position 637, C replaced by T.
Protein change: p.His213Tyr; replaces histidine 213 with tyrosine.
Molecular consequence: missense variant. On other transcripts: intron variant (1).
Genome position (GRCh38, 1-based): chr3:50,342,981, G>A on the plus strand (C>T on the coding strand, the complement: ZMYND10 is on the minus strand). VCF-style: chr3-50342981-G-A. GRCh37 (hg19) VCF-style: chr3-50380412-G-A.
Other names: c.599+137C>T (NM_001308379.2); short protein forms H213Y.
Identifiers: ClinVar variation 454842 (VCV000454842.8), dbSNP rs199711270, ClinGen allele CA2417140.

ClinVar aggregate classification (germline): Uncertain significance. Review status: criteria provided, multiple submitters, no conflicts (2 of 4 stars). 3 submissions from 3 submitters: Uncertain significance (3). Last evaluated 2025-11-10.

Conditions:
Inborn genetic diseases. Identifiers: MedGen C0950123, MeSH D030342.
Primary ciliary dyskinesia 22. Also called: CILIARY DYSKINESIA, PRIMARY, 22, WITH OR WITHOUT SITUS INVERSUS. Identifiers: Orphanet 244, MedGen C3809543, MONDO:0014192, OMIM 615444.
Primary ciliary dyskinesia. Also called: Ciliary dyskinesia. Identifiers: Orphanet 244, MedGen C0008780, MONDO:0016575, HP:0012265.

Allele frequency attached by ClinVar (database versions not stated): gnomAD exomes 0.00014; TOPMed 0.00015; gnomAD 0.00016; ESP Exome Variant Server 0.00023.

Submissions (3):

Labcorp Genetics (formerly Invitae), Labcorp
Classification: Uncertain significance for Primary ciliary dyskinesia. Last evaluated: 2025-11-10. Review status: criteria provided, single submitter. Criteria: Invitae Variant Classification Sherloc (09022015). Collection method: clinical testing. Allele origin: germline.
Comment: This sequence change replaces histidine, which is basic and polar, with tyrosine, which is neutral and polar, at codon 213 of the ZMYND10 protein (p.His213Tyr). This variant is present in population databases (rs199711270, gnomAD 0.03%). This variant has not been reported in the literature in individuals affected with ZMYND10-related conditions. ClinVar contains an entry for this variant (Variation ID: 454842). Invitae Evidence Modeling of protein sequence and biophysical properties (such as structural, functional, and spatial information, amino acid conservation, physicochemical variation, residue mobility, and thermodynamic stability) indicates that this missense variant is not expected to disrupt ZMYND10 protein function with a negative predictive value of 80%. In summary, the available evidence is currently insufficient to determine the role of this variant in disease. Therefore, it has been classified as a Variant of Uncertain Significance.

Ambry Genetics
Classification: Uncertain significance for Inborn genetic diseases. Last evaluated: 2025-01-15. Review status: criteria provided, single submitter. Criteria: Ambry Variant Classification Scheme 2023. Collection method: clinical testing. Allele origin: germline.

Laboratorio de Genetica e Diagnostico Molecular, Hospital Israelita Albert Einstein
Classification: Uncertain significance for Primary ciliary dyskinesia 22. Last evaluated: 2023-02-03. Review status: criteria provided, single submitter. Criteria: ACMG Guidelines, 2015. Collection method: clinical testing. Allele origin: germline. Affected: yes. Observed: 1 variant allele.
Comment: ACMG classification criteria: PM2 supporting, BP4 supporting